The following is an entry in ClinVar:

ClinVar aggregate classification (germline): Pathogenic/Likely pathogenic. Review status: criteria provided, multiple submitters, no conflicts (2 of 4 stars). 3 submissions from 3 submitters: Pathogenic (2); Likely pathogenic (1). Last evaluated 2024-09-26.

Conditions:
Hereditary cancer-predisposing syndrome. Also called: Hereditary Cancer Syndrome; Neoplastic Syndromes, Hereditary; Hereditary neoplastic syndrome; Tumor predisposition. Identifiers: Orphanet 140162, MedGen C0027672, MeSH D009386, MONDO:0015356.
Fanconi anemia complementation group O. Also called: RAD51C-Related Fanconi Anemia. Identifiers: Orphanet 84, MedGen C3150653, MONDO:0013248, OMIM 613390.

Submissions (3):

Ambry Genetics
Classification: Pathogenic for Hereditary cancer-predisposing syndrome. Last evaluated: 2024-09-26. Review status: criteria provided, single submitter. Criteria: Ambry Variant Classification Scheme 2023. Collection method: clinical testing. Allele origin: germline.
Comment: The p.Q285* pathogenic mutation (also known as c.853C>T), located in coding exon 6 of the RAD51C gene, results from a C to T substitution at nucleotide position 853. This changes the amino acid from a glutamine to a stop codon within coding exon 6. This variant is considered to be rare based on population cohorts in the Genome Aggregation Database (gnomAD). This alteration is expected to result in loss of function by premature protein truncation or nonsense-mediated mRNA decay. As such, this alteration is interpreted as a disease-causing mutation.

Color Diagnostics, LLC DBA Color Health
Classification: Pathogenic for Hereditary cancer-predisposing syndrome. Last evaluated: 2021-02-11. Review status: criteria provided, single submitter. Criteria: ACMG Guidelines, 2015. Collection method: clinical testing. Allele origin: germline.
Comment: This variant changes 1 nucleotide in exon 6 of the RAD51C gene, creating a premature translation stop signal. This variant is expected to result in an absent or non-functional protein product. To our knowledge, this variant has not been reported in individuals affected with hereditary cancer in the literature. This variant has not been identified in the general population by the Genome Aggregation Database (gnomAD). Loss of RAD51C function is a known mechanism of disease. Based on the available evidence, this variant is classified as Pathogenic.

Mendelics
Classification: Likely pathogenic for Fanconi anemia complementation group O. Last evaluated: 2019-05-28. Review status: criteria provided, single submitter. Criteria: Mendelics Assertion Criteria 2017. Collection method: clinical testing. Allele origin: unknown.

NM_058216.3(RAD51C):c.853C>T (p.Gln285Ter)

Gene: RAD51C (RAD51 paralog C; plus strand). Cytogenetic location: 17q22.
Variant type: single nucleotide variant.
Coding change: c.853C>T on transcript NM_058216.3 (MANE Select); coding-DNA position 853, C replaced by T.
Protein change: p.Gln285Ter; replaces glutamine 285 with a stop codon.
Molecular consequence: nonsense. On other transcripts: non-coding transcript variant (1).
Genome position (GRCh38, 1-based): chr17:58,720,761, C>T. VCF-style: chr17-58720761-C-T. GRCh37 (hg19) VCF-style: chr17-56798122-C-T.
Other names: short protein forms Q285*.
Identifiers: ClinVar variation 803443 (VCV000803443.6), dbSNP rs1598504016, ClinGen allele CA400359404.
Genomic context (GRCh38, chr17:58,720,761, plus strand): 5'-TTTTCAAAGAGACTCACCTAATTTTCTTACATTTTGTTTTTGTAGGTAATTTTAACCAAT[C>T]AGATGACAACAAAGATTGATAGAAATCAGGCCTTGCTTGTTCCTGCATTAGGTGGGTAAT-3'